The following is an entry in ClinVar:

ClinVar aggregate classification (germline): Uncertain significance (1 of 4 stars; one submission).

Conditions:
Developmental and epileptic encephalopathy 94 (DEE94). Also called: CHD2-Related Neurodevelopmental Disorders; Epileptic encephalopathy, childhood-onset. Identifiers: Orphanet 1942, Orphanet 2382, MedGen C3809278, MONDO:0014150, OMIM 615369.

Allele frequency attached by ClinVar (database versions not stated): gnomAD exomes below 0.00001.
gnomAD v4.1: 2 of 1,614,226 alleles (0.00012%); highest among the groups gnomAD compares: Non-Finnish European, 0.00017%; no homozygotes.

Submission:

Labcorp Genetics (formerly Invitae), Labcorp
Classification: Uncertain significance for Developmental and epileptic encephalopathy 94. Last evaluated: 2023-05-21. Review status: criteria provided, single submitter. Criteria: Invitae Variant Classification Sherloc (09022015). Collection method: clinical testing. Allele origin: germline.
Comment: In summary, the available evidence is currently insufficient to determine the role of this variant in disease. Therefore, it has been classified as a Variant of Uncertain Significance. Advanced modeling of protein sequence and biophysical properties (such as structural, functional, and spatial information, amino acid conservation, physicochemical variation, residue mobility, and thermodynamic stability) performed at Invitae indicates that this missense variant is not expected to disrupt CHD2 protein function. This variant has not been reported in the literature in individuals affected with CHD2-related conditions. This variant is not present in population databases (gnomAD no frequency). This sequence change replaces glutamic acid, which is acidic and polar, with lysine, which is basic and polar, at codon 1497 of the CHD2 protein (p.Glu1497Lys).

NM_001271.4(CHD2):c.4489G>A (p.Glu1497Lys)

Gene: CHD2 (chromodomain helicase DNA binding protein 2; plus strand). Cytogenetic location: 15q26.1.
Variant type: single nucleotide variant.
Coding change: c.4489G>A on transcript NM_001271.4 (MANE Select); coding-DNA position 4489, G replaced by A.
Protein change: p.Glu1497Lys; replaces glutamic acid 1497 with lysine.
Molecular consequence: missense variant.
Genome position (GRCh38, 1-based): chr15:93,009,220, G>A. VCF-style: chr15-93009220-G-A. GRCh37 (hg19) VCF-style: chr15-93552450-G-A.
Other names: short protein forms E1497K.
Identifiers: ClinVar variation 2854508 (VCV002854508.3), dbSNP rs2505617452, ClinGen allele CA393904500.